The following is an entry in ClinVar:

NM_000393.5(COL5A2):c.1217A>T (p.Glu406Val)

Gene: COL5A2 (collagen type V alpha 2 chain; minus strand). Cytogenetic location: 2q32.2.
Variant type: single nucleotide variant.
Coding change: c.1217A>T on transcript NM_000393.5 (MANE Select); coding-DNA position 1217, A replaced by T.
Protein change: p.Glu406Val; replaces glutamic acid 406 with valine.
Molecular consequence: missense variant.
Genome position (GRCh38, 1-based): chr2:189,068,826, T>A on the plus strand (A>T on the coding strand, the complement: COL5A2 is on the minus strand). VCF-style: chr2-189068826-T-A. GRCh37 (hg19) VCF-style: chr2-189933552-T-A.
Other names: short protein forms E406V.
Identifiers: ClinVar variation 2711813 (VCV002711813.1), dbSNP rs2469314307, ClinGen allele CA349853634.

ClinVar aggregate classification (germline): Uncertain significance (1 of 4 stars; one submission).

Conditions:
Ehlers-Danlos syndrome, classic type, 1 (EDSCL1). Also called: EHLERS-DANLOS SYNDROME, GRAVIS TYPE; EHLERS-DANLOS SYNDROME, SEVERE CLASSIC TYPE; Ehlers-Danlos syndrome, type 1; Ehlers-Danlos Syndrome, Classic Type, COL5A1-Related; EDS I. Identifiers: MedGen C0268335, MONDO:0019567, OMIM 130000.

gnomAD v4.1: 1 of 1,613,224 alleles (0.000062%); no homozygotes.

Submission:

Labcorp Genetics (formerly Invitae), Labcorp
Classification: Uncertain significance for Ehlers-Danlos syndrome, classic type, 1. Last evaluated: 2023-04-08. Review status: criteria provided, single submitter. Criteria: Invitae Variant Classification Sherloc (09022015). Collection method: clinical testing. Allele origin: germline.
Comment: In summary, the available evidence is currently insufficient to determine the role of this variant in disease. Therefore, it has been classified as a Variant of Uncertain Significance. Advanced modeling of protein sequence and biophysical properties (such as structural, functional, and spatial information, amino acid conservation, physicochemical variation, residue mobility, and thermodynamic stability) performed at Invitae indicates that this missense variant is not expected to disrupt COL5A2 protein function. This variant has not been reported in the literature in individuals affected with COL5A2-related conditions. This variant is not present in population databases (gnomAD no frequency). This sequence change replaces glutamic acid, which is acidic and polar, with valine, which is neutral and non-polar, at codon 406 of the COL5A2 protein (p.Glu406Val).